The following is an entry in ClinVar:

NM_001384732.1(CPLANE1):c.3373A>G (p.Ile1125Val)

Gene: CPLANE1 (ciliogenesis and planar polarity effector complex subunit 1; minus strand). Cytogenetic location: 5p13.2.
Variant type: single nucleotide variant.
Coding change: c.3373A>G on transcript NM_001384732.1 (MANE Select); coding-DNA position 3373, A replaced by G.
Protein change: p.Ile1125Val; replaces isoleucine 1125 with valine.
Molecular consequence: missense variant.
Genome position (GRCh38, 1-based): chr5:37,201,725, T>C on the plus strand (A>G on the coding strand, the complement: CPLANE1 is on the minus strand). VCF-style: chr5-37201725-T-C. GRCh37 (hg19) VCF-style: chr5-37201827-T-C.
Other names: p.Ile1125Val; c.3373A>G, p.Ile1125Val (NM_023073.4); short protein forms I1125V.
Identifiers: ClinVar variation 4541042 (VCV004541042.2).

ClinVar aggregate classification (germline): Uncertain significance. Review status: criteria provided, multiple submitters, no conflicts (2 of 4 stars). 2 submissions from 2 submitters: Uncertain significance (2). Last evaluated 2025-09-26.

gnomAD v4.1: 11 of 1,614,180 alleles (0.00068%); highest among the groups gnomAD compares: Admixed American, 0.0017%; no homozygotes.

Submissions (2):

Mayo Clinic Laboratories, Mayo Clinic
Classification: Uncertain significance. Last evaluated: 2025-09-26. Review status: criteria provided, single submitter. Criteria: ACMG Guidelines, 2015. Collection method: clinical testing. Allele origin: germline. Observed: 1 variant allele.
Comment: BP4_strong, BP5, PM2_supporting

Blueprint Genetics
Classification: Uncertain significance. Last evaluated: 2021-10-06. Review status: criteria provided, single submitter. Criteria: ACMG Guidelines, 2015. Collection method: clinical testing. Allele origin: germline.